The following is an entry in ClinVar:

ClinVar aggregate classification (germline): Benign/Likely benign. Review status: criteria provided, multiple submitters, no conflicts (2 of 4 stars). 3 submissions from 3 submitters: Benign (1); Likely benign (2). Last evaluated 2025-09-25.

Conditions:
Leukodystrophy, hypomyelinating, 8, with or without oligodontia and/or hypogonadotropic hypogonadism. Also called: LEUKODYSTROPHY, HYPOMYELINATING, 8, WITH HYPODONTIA AND HYPOGONADOTROPIC HYPOGONADISM; Hypomyelinating leukodystrophy 8 with or without oligodontia and-or hypogonadotropic hypogonadism; Endosteal sclerosis-cerebellar hypoplasia syndrome. Identifiers: Orphanet 85186, Orphanet 88637, MedGen C3280644, MONDO:0013722, OMIM 614381.

Allele frequency attached by ClinVar (database versions not stated): gnomAD exomes 0.00016 and 0.00031; gnomAD 0.00073 and 0.00076; 1000 Genomes Project 0.00080; TOPMed 0.00072; 1000 Genomes Project 30x 0.00109; ESP Exome Variant Server 0.00146; ExAC 0.00048.
gnomAD v4.1: 350 of 1,605,778 alleles (0.022%); highest among the groups gnomAD compares: African/African-American, 0.23%; no homozygotes.

Submissions (3):

Labcorp Genetics (formerly Invitae), Labcorp
Classification: Benign. Last evaluated: 2025-09-25. Review status: criteria provided, single submitter. Criteria: Invitae Variant Classification Sherloc (09022015). Collection method: clinical testing. Allele origin: germline.

Blueprint Genetics
Classification: Likely benign. Last evaluated: 2024-11-13. Review status: criteria provided, single submitter. Criteria: ACMG Guidelines, 2015. Collection method: clinical testing. Allele origin: germline.

Illumina Laboratory Services, Illumina
Classification: Likely benign for Leukodystrophy, hypomyelinating, 8, with or without oligodontia and/or hypogonadotropic hypogonadism. Last evaluated: 2018-01-13. Review status: criteria provided, single submitter. Criteria: ICSL Variant Classification Criteria 13 December 2019. Collection method: clinical testing. Allele origin: germline.
Comment: This variant was observed in the ICSL laboratory as part of a predisposition screen in an ostensibly healthy population. It had not been previously curated by ICSL or reported in the Human Gene Mutation Database (HGMD: prior to June 1st, 2018), and was therefore a candidate for classification through an automated scoring system. Utilizing variant allele frequency, disease prevalence and penetrance estimates, and inheritance mode, an automated score was calculated to assess if this variant is too frequent to cause the disease. Based on the score and internal cut-off values, a variant classified as likely benign is not then subjected to further curation. The score for this variant resulted in a classification of likely benign for this disease.

NM_018082.6(POLR3B):c.1464+14G>A

Gene: POLR3B (RNA polymerase III subunit B; plus strand). Cytogenetic location: 12q23.3.
Variant type: single nucleotide variant.
Coding change: c.1464+14G>A on transcript NM_018082.6 (MANE Select); 14 bases into the intron after coding-DNA position 1464, G replaced by A.
Molecular consequence: intron variant.
Genome position (GRCh38, 1-based): chr12:106,430,487, G>A. VCF-style: chr12-106430487-G-A. GRCh37 (hg19) VCF-style: chr12-106824265-G-A.
Other names: c.1290+14G>A (NM_001160708.2).
Identifiers: ClinVar variation 306935 (VCV000306935.13), dbSNP rs200061150, ClinGen allele CA6761945.
Genomic context (GRCh38, chr12:106,430,487, plus strand): 5'-CATCTCAGTGGGGAATGCTGTGTCCTTCGGACACTCCTGAAGGAGAGGTAAGGAATCTGA[G>A]GAGTCTTGATGCTGTGTAAGAGGCGATACCTATGTCTGTGCATGGGGTGGGGTGGGGAGG-3'